The following is an entry in ClinVar:

ClinVar aggregate classification (germline): Conflicting classifications of pathogenicity. Review status: criteria provided, conflicting classifications (1 of 4 stars). 7 submissions from 7 submitters: Pathogenic (1); Likely pathogenic (1); Uncertain significance (5). Last evaluated 2026-05-30.

Conditions:
Marfan syndrome (MFS). Also called: MARFAN SYNDROME, TYPE I; Marfan syndrome, classic; FBN1-Related Marfan Syndrome; Marfan syndrome type 1; Marfan's syndrome. Identifiers: Orphanet 284963, Orphanet 558, MedGen C0024796, MONDO:0007947, OMIM 154700.
Stiff skin syndrome (SSKS). Identifiers: Orphanet 2833, MedGen C1861456, MONDO:0008492, OMIM 184900.
Acromicric dysplasia (ACMICD). Also called: Acromicric skeletal dysplasia. Identifiers: Orphanet 969, MedGen C0265287, MONDO:0007055, OMIM 102370.
Weill-Marchesani syndrome 2, dominant. Also called: FBN1-Related Weill-Marchesani Syndrome; Weill-Marchesani Syndrome, Autosomal Dominant. Identifiers: Orphanet 2084, MedGen C1869115, MONDO:0012013, OMIM 608328.
Ectopia lentis 1, isolated, autosomal dominant (ECTOL1). Identifiers: Orphanet 1885, MedGen C3541518, MONDO:0007514, OMIM 129600.
MASS syndrome (OCTD). Also called: MASS PHENOTYPE; OVERLAP CONNECTIVE TISSUE DISEASE. Identifiers: MedGen C1858556, MONDO:0011431, OMIM 604308.
Geleophysic dysplasia 2 (GPHYSD2). Identifiers: Orphanet 2623, MedGen C3280054, MONDO:0013612, OMIM 614185.
Progeroid and marfanoid aspect-lipodystrophy syndrome. Also called: MARFANOID-PROGEROID SYNDROME; MARFAN-PROGEROID-LIPODYSTROPHY SYNDROME; Marfan lipodystrophy syndrome; MARFANOID-PROGEROID-LIPODYSTROPHY SYNDROME. Identifiers: Orphanet 300382, MedGen C4310796, MONDO:0014831, OMIM 616914.
Familial thoracic aortic aneurysm and aortic dissection (TAAD). Also called: Thoracic aortic aneurysms and dissections. Identifiers: Orphanet 91387, MedGen C4707243, MONDO:0019625.
Thoracic aortic aneurysm or dissection.
FBN1-related disorder. Also called: FBN1-related disorders.

Allele frequency attached by ClinVar (database versions not stated): gnomAD exomes below 0.00001.

Submissions (7):

NHS Central & South Genomic Laboratory Hub
Classification: Uncertain significance for Thoracic aortic aneurysm or dissection. Last evaluated: 2026-05-30. Review status: criteria provided, single submitter. Criteria: ACMG Guidelines, 2015. Collection method: clinical testing. Allele origin: germline. Affected: yes.

GeneDx
Classification: Likely pathogenic. Last evaluated: 2026-04-16. Review status: criteria provided, single submitter. Criteria: GeneDx Variant Classification Process June 2021. Collection method: clinical testing. Allele origin: germline.
Comment: Has been identified in individuals with an FBN1-related disorder (PMID: 9399842, 17679947); Introduces a new cysteine residue within an EGF-like domain of the FBN1 gene, which may affect disulfide bonding and is predicted to alter the structure and function of the protein; cysteine substitutions in the EGF-like domains represent the majority of pathogenic missense changes associated with FBN1-related disorders (PMID: 12938084); Not observed at significant frequency in large population cohorts (gnomAD); In silico analysis supports that this missense variant has a deleterious effect on protein structure/function; This variant is associated with the following publications: (PMID: 12938084, 9399842, 17679947, 18615205)

Labcorp Genetics (formerly Invitae), Labcorp
Classification: Uncertain significance for Marfan syndrome; Familial thoracic aortic aneurysm and aortic dissection. Last evaluated: 2026-01-26. Review status: criteria provided, single submitter. Criteria: Invitae Variant Classification Sherloc (09022015). Collection method: clinical testing. Allele origin: germline.
Comment: This sequence change replaces arginine, which is basic and polar, with cysteine, which is neutral and slightly polar, at codon 1832 of the FBN1 protein (p.Arg1832Cys). This variant is not present in population databases (gnomAD no frequency). This missense change has been observed in individual(s) with clinical features of FBN1-related conditions (PMID: 9399842; internal data). ClinVar contains an entry for this variant (Variation ID: 2925545). Invitae Evidence Modeling of protein sequence and biophysical properties (such as structural, functional, and spatial information, amino acid conservation, physicochemical variation, residue mobility, and thermodynamic stability) indicates that this missense variant is expected to disrupt FBN1 protein function with a positive predictive value of 95%. In summary, the available evidence is currently insufficient to determine the role of this variant in disease. Therefore, it has been classified as a Variant of Uncertain Significance.

Blueprint Genetics
Classification: Pathogenic for FBN1-related disorders. Last evaluated: 2024-11-15. Review status: criteria provided, single submitter. Criteria: ACMG Guidelines, 2015. Collection method: clinical testing. Allele origin: germline. Affected: yes. Observed: 5 variant alleles.

Ambry Genetics
Classification: Uncertain significance for Familial thoracic aortic aneurysm and aortic dissection. Last evaluated: 2024-08-14. Review status: criteria provided, single submitter. Criteria: Ambry Variant Classification Scheme 2023. Collection method: clinical testing. Allele origin: germline.
Comment: The p.R1832C variant (also known as c.5494C>T), located in coding exon 44 of the FBN1 gene, results from a C to T substitution at nucleotide position 5494. The arginine at codon 1832 is replaced by cysteine, an amino acid with highly dissimilar properties. This variant has been detected in an individual with aortic dissection, and has also been detected in an individual from a suspected Marfan syndrome cohort; however, clinical details were limited (Collod-B&eacute;roud G et al. Nucleic Acids Res. 1998 Jan;26(1):229-3; Ambry internal data). This amino acid position is highly conserved in available vertebrate species. In addition, this alteration is predicted to be deleterious by in silico analysis. Based on the available evidence, the clinical significance of this variant remains unclear.

All of Us Research Program, National Institutes of Health
Classification: Uncertain significance for Marfan syndrome. Last evaluated: 2024-04-25. Review status: criteria provided, single submitter. Criteria: ACMG Guidelines, 2015. Collection method: clinical testing. Allele origin: germline. Inheritance: Autosomal dominant inheritance. Observed: 1 variant allele, 1 heterozygote.
Comment: This missense variant replaces arginine with cysteine at codon 1832 in an EGF-like calcium-binding domain of the FBN1 protein. Computational prediction tools indicate that this variant has a deleterious impact on protein structure and function. Cysteine creating variants in cbEGF-like domains have been shown to affect protein stability and are overrepresented among patients with Marfan syndrome (PMID: 15161917, 16571647, 17701892). To our knowledge, functional studies have not been reported for this variant. This variant has been reported in one individual suspected to be affected with Marfan syndrome (PMID: 9399842). This variant has not been identified in the general population by the Genome Aggregation Database (gnomAD). The available evidence is insufficient to determine the role of this variant in disease conclusively. Therefore, this variant is classified as a Variant of Uncertain Significance.

This study involves interpretation of variants in research participants for the purpose of population health screening. Participant phenotype was not available at the time of variant classification. Additional details can be found in publication PMID: 35346344, PMCID: PMC8962531

Juno Genomics, Hangzhou Juno Genomics, Inc
Classification: Uncertain significance for Stiff skin syndrome; Weill-Marchesani syndrome 2, dominant; Acromicric dysplasia; Ectopia lentis 1, isolated, autosomal dominant; Geleophysic dysplasia 2; Progeroid and marfanoid aspect-lipodystrophy syndrome; Marfan syndrome; MASS syndrome. Review status: criteria provided, single submitter. Criteria: ACMG Guidelines, 2015. Collection method: clinical testing. Allele origin: germline.
Comment: Absent from controls (or at extremely low frequency if recessive) in Genome Aggregation Database.;Missense variant in a gene that has a low rate of benign missense variation.;Multiple lines of computational evidence support a deleterious effect on the gene or gene product.

Literature cited by the submitters: PubMed 9399842 (cited by 3 submitters); PubMed 15161917 (cited by All of Us Research Program, National Institutes of Health); PubMed 16571647 (cited by All of Us Research Program, National Institutes of Health); PubMed 17701892 (cited by All of Us Research Program, National Institutes of Health).

NM_000138.5(FBN1):c.5494C>T (p.Arg1832Cys)

Gene: FBN1 (fibrillin 1; minus strand). Cytogenetic location: 15q21.1.
Variant type: single nucleotide variant.
Coding change: c.5494C>T on transcript NM_000138.5 (MANE Select); coding-DNA position 5494, C replaced by T.
Protein change: p.Arg1832Cys; replaces arginine 1832 with cysteine.
Molecular consequence: missense variant.
Genome position (GRCh38, 1-based): chr15:48,452,613, G>A on the plus strand (C>T on the coding strand, the complement: FBN1 is on the minus strand). VCF-style: chr15-48452613-G-A. GRCh37 (hg19) VCF-style: chr15-48744810-G-A.
Other names: c.5494C>T, p.Arg1832Cys (NM_001406716.1); short protein forms R1832C.
Identifiers: ClinVar variation 2925545 (VCV002925545.10), dbSNP rs1566900499, ClinGen allele CA392344169.